The following is an entry in ClinVar:

ClinVar aggregate classification (germline): Uncertain significance (1 of 4 stars; one submission).

Submission:

Women's Health and Genetics/Laboratory Corporation of America, LabCorp
Classification: Uncertain significance. Last evaluated: 2021-05-03. Review status: criteria provided, single submitter. Criteria: LabCorp Variant Classification Summary - May 2015. Collection method: clinical testing. Allele origin: germline.
Comment: Variant summary: EYA4 c.438-6A>T alters a conserved nucleotide located close to a canonical splice site and therefore could affect mRNA splicing, leading to a significantly altered protein sequence. 4/4 computational tools predict no significant impact on normal splicing. However, these predictions have yet to be confirmed by functional studies. The variant was absent in 251362 control chromosomes (gnomAD). The available data on variant occurrences in the general population are insufficient to allow any conclusion about variant significance. To our knowledge, no occurrence of c.438-6A>T in individuals affected with Dilated Cardiomyopathy and no experimental evidence demonstrating its impact on protein function have been reported. No clinical diagnostic laboratories have submitted clinical-significance assessments for this variant to ClinVar after 2014. Based on the evidence outlined above, the variant was classified as uncertain significance.

NM_004100.5(EYA4):c.438-6A>T

Gene: EYA4 (EYA transcriptional coactivator and phosphatase 4; plus strand). Cytogenetic location: 6q23.2.
Variant type: single nucleotide variant.
Coding change: c.438-6A>T on transcript NM_004100.5 (MANE Select); 6 bases into the intron before coding-DNA position 438, A replaced by T.
Molecular consequence: intron variant.
Genome position (GRCh38, 1-based): chr6:133,462,329, A>T. VCF-style: chr6-133462329-A-T. GRCh37 (hg19) VCF-style: chr6-133783467-A-T.
Other names: c.438-6A>T (NM_001301013.2, NM_172105.4); c.369-6A>T (NM_001370458.1, NM_172103.4); c.276-6A>T (NM_001370459.1, NM_001301012.2).
Identifiers: ClinVar variation 1098830 (VCV001098830.1), dbSNP rs1794468804, ClinGen allele CA2499218113.
Genomic context (GRCh38, chr6:133,462,329, plus strand): 5'-ATCTAGGCTGTCTAAATTAATACACAGTCTTTGTTGCCACAGTAATGCTATTTTTCTGAT[A>T]TTTAGGCCCTATCCACACATTCTTTCTACACCAGCAGCTCAAACAATGTCTGCCTATGCA-3'